The following is an entry in ClinVar:

NM_013266.4(CTNNA3):c.1255C>A (p.His419Asn)

Gene: CTNNA3 (catenin alpha 3; minus strand). Cytogenetic location: 10q21.3.
Variant type: single nucleotide variant.
Coding change: c.1255C>A on transcript NM_013266.4 (MANE Select); coding-DNA position 1255, C replaced by A.
Protein change: p.His419Asn; replaces histidine 419 with asparagine.
Molecular consequence: missense variant.
Genome position (GRCh38, 1-based): chr10:66,766,290, G>T on the plus strand (C>A on the coding strand, the complement: CTNNA3 is on the minus strand). VCF-style: chr10-66766290-G-T. GRCh37 (hg19) VCF-style: chr10-68526048-G-T.
Other names: c.1255C>A, p.His419Asn (NM_001127384.3); short protein forms H419N.
Identifiers: ClinVar variation 1761691 (VCV001761691.2), dbSNP rs2547545473, ClinGen allele CA377091826.

ClinVar aggregate classification (germline): Uncertain significance (1 of 4 stars; one submission).

Submission:

Ambry Genetics
Classification: Uncertain significance. Last evaluated: 2022-10-17. Review status: criteria provided, single submitter. Criteria: Ambry Variant Classification Scheme 2023. Collection method: clinical testing. Allele origin: germline.
Comment: The p.H419N variant (also known as c.1255C>A), located in coding exon 8 of the CTNNA3 gene, results from a C to A substitution at nucleotide position 1255. The histidine at codon 419 is replaced by asparagine, an amino acid with similar properties. This amino acid position is conserved. In addition, this alteration is predicted to be tolerated by in silico analysis. Since supporting evidence is limited at this time, the clinical significance of this alteration remains unclear.